The following is an entry in ClinVar:

NM_007118.4(TRIO):c.2T>C (p.Met1Thr)

Gene: TRIO (trio Rho guanine nucleotide exchange factor; plus strand). Cytogenetic location: 5p15.2.
Variant type: single nucleotide variant.
Coding change: c.2T>C on transcript NM_007118.4 (MANE Select); coding-DNA position 2, T replaced by C.
Protein change: p.Met1Thr; changes the start codon (methionine 1).
Molecular consequence: missense variant, initiator codon variant. On other transcripts: non-coding transcript variant (1).
Genome position (GRCh38, 1-based): chr5:14,143,727, T>C. VCF-style: chr5-14143727-T-C. GRCh37 (hg19) VCF-style: chr5-14143836-T-C.
Other names: short protein forms M1T.
Identifiers: ClinVar variation 4881097 (VCV004881097.2).

ClinVar aggregate classification (germline): Uncertain significance (1 of 4 stars; one submission).

Submission:

Dasa
Classification: Uncertain significance. Last evaluated: 2025-11-19. Review status: criteria provided, single submitter. Criteria: DASA Assertion Criteria. Collection method: clinical testing. Allele origin: germline.
Comment: NM_007118.4(TRIO):c.2T>C (p.Met1?) is a start-loss variant predicted to alter the translation initiation codon and impair normal protein translation. This variant is absent from population databases. The currently available literature and clinical evidence are not sufficient to establish a definitive association between this variant and the reported condition. Therefore, this variant is classified as a variant of uncertain significance.